The following is an entry in ClinVar:

ClinVar aggregate classification (germline): Uncertain significance (1 of 4 stars; one submission).

Submission:

GeneDx
Classification: Uncertain significance. Last evaluated: 2024-12-28. Review status: criteria provided, single submitter. Criteria: GeneDx Variant Classification Process June 2021. Collection method: clinical testing. Allele origin: germline. Affected: yes.
Comment: Not observed at significant frequency in large population cohorts (gnomAD); In silico analysis supports that this missense variant has a deleterious effect on protein structure/function; Has not been previously published as pathogenic or benign to our knowledge

NM_001142864.4(PIEZO1):c.4733C>T (p.Pro1578Leu)

Gene: PIEZO1 (piezo type mechanosensitive ion channel component 1 (Er blood group); minus strand). Cytogenetic location: 16q24.3.
Variant type: single nucleotide variant.
Coding change: c.4733C>T on transcript NM_001142864.4 (MANE Select); coding-DNA position 4733, C replaced by T.
Protein change: p.Pro1578Leu; replaces proline 1578 with leucine.
Molecular consequence: missense variant.
Genome position (GRCh38, 1-based): chr16:88,722,625, G>A on the plus strand (C>T on the coding strand, the complement: PIEZO1 is on the minus strand). VCF-style: chr16-88722625-G-A. GRCh37 (hg19) VCF-style: chr16-88789033-G-A.
Other names: short protein forms P1578L.
Identifiers: ClinVar variation 3907944 (VCV003907944.1).